The following is an entry in ClinVar:

NM_000152.5(GAA):c.1822del (p.Arg608fs)

Gene: GAA (alpha glucosidase; plus strand). Cytogenetic location: 17q25.3.
Variant type: Deletion.
Coding change: c.1822del on transcript NM_000152.5 (MANE Select); coding-DNA position 1822, one base deleted (C; older notation c.1822delC).
Protein change: p.Arg608fs; shifts the reading frame from arginine 608.
Molecular consequence: frameshift variant.
Genome position (GRCh38, 1-based): chr17:80,112,645, C deleted; the last of 2 consecutive C bases (chr17:80,112,644-80,112,645); deleting either gives the same sequence. VCF-style (leftmost placement, unchanged base first): chr17-80112643-GC-G. GRCh37 (hg19) VCF-style: chr17-78086442-GC-G.
Other names: c.1822del, p.Arg608fs (NM_001079803.3, NM_001079804.3, NM_001406741.1 and 1 more transcripts); short protein forms R608fs.
Identifiers: ClinVar variation 4876674 (VCV004876674.1).

ClinVar aggregate classification (germline): Pathogenic (1 of 4 stars; one submission).

Conditions:
Glycogen storage disease, type II (IOPD). Also called: Pompe Disease; CARDIOMEGALIA GLYCOGENICA DIFFUSA; GLYCOGENOSIS, GENERALIZED, CARDIAC FORM; GSD II; POMPE DISEASE, INFANTILE-ONSET; GLYCOGEN STORAGE DISEASE II, INFANTILE-ONSET. Identifiers: Orphanet 365, MedGen C0017921, MONDO:0009290, OMIM 232300.

Submission:

Genomenon, Inc
Classification: Pathogenic for Glycogen storage disease, type II. Last evaluated: 2026-07-01. Review status: criteria provided, single submitter. Criteria: Genomenon Sequence Variant Interpretation Standards - Updated. Collection method: curation. Allele origin: germline. Affected: yes.
Comment: GAA p.Arg608AspfsTer88 (c.1822del) is a frameshift variant that is predicted to introduce a premature termination codon and result in a truncated or absent protein product. This variant has been observed in at least one proband with a GAA-related disorder (PMID:21757382;31342611). It is absent or not present at a significant frequency in gnomAD. In conclusion, we classify GAA p.Arg608AspfsTer88 (c.1822del) as a pathogenic variant.

Literature cited by the submitters: PubMed 21757382; PubMed 31342611.